The following is an entry in ClinVar:

NM_001384900.1(SEMA3D):c.2067G>A (p.Met689Ile)

Genes: SEMA3D (semaphorin 3D; minus strand), LOC126860094 (BRD4-independent group 4 enhancer GRCh37_chr7:84628763-84629962; plus strand). Cytogenetic location: 7q21.11.
Variant type: single nucleotide variant.
Coding change: c.2067G>A on transcript NM_001384900.1 (MANE Select); coding-DNA position 2067, G replaced by A.
Protein change: p.Met689Ile; replaces methionine 689 with isoleucine.
Molecular consequence: missense variant.
Genome position (GRCh38, 1-based): chr7:84,999,707, C>T on the plus strand (G>A on the coding strand, the complement: SEMA3D is on the minus strand). VCF-style: chr7-84999707-C-T. GRCh37 (hg19) VCF-style: chr7-84629023-C-T.
Other names: c.2067G>A, p.Met689Ile (NM_001384901.1, NM_001384902.1, NM_001384903.1 and 1 more transcripts); short protein forms M689I.
Identifiers: ClinVar variation 4987615 (VCV004987615.1).

ClinVar aggregate classification (germline): Uncertain significance (1 of 4 stars; one submission).

Conditions:
SEMA3D-related disorder. Also called: SEMA3D-related condition.

gnomAD v4.1: 8 of 1,614,052 alleles (0.0005%); highest among the groups gnomAD compares: Non-Finnish European, 0.00068%; no homozygotes.

Submission:

PreventionGenetics, part of Exact Sciences
Classification: Uncertain significance for SEMA3D-related condition. Last evaluated: 2026-03-26. Review status: criteria provided, single submitter. Criteria: ACMG Guidelines, 2015. Collection method: clinical testing. Allele origin: germline.
Comment: The SEMA3D c.2067G>A variant is predicted to result in the amino acid substitution p.Met689Ile. To our knowledge, this variant has not been reported in the literature or in a large population database (gnomAD), indicating this variant is rare. At this time, the clinical significance of this variant is uncertain due to the absence of conclusive functional and genetic evidence.